The following is an entry in ClinVar:

ClinVar aggregate classification (germline): Uncertain significance (1 of 4 stars; one submission).

Allele frequency attached by ClinVar (database versions not stated): gnomAD exomes below 0.00001; ExAC 0.00001.
gnomAD v4.1: 2 of 1,596,114 alleles (0.00013%); highest among the groups gnomAD compares: East Asian, 0.0046%; no homozygotes.

Submission:

Labcorp Genetics (formerly Invitae), Labcorp
Classification: Uncertain significance. Last evaluated: 2021-12-27. Review status: criteria provided, single submitter. Criteria: Invitae Variant Classification Sherloc (09022015). Collection method: clinical testing. Allele origin: germline.
Comment: This sequence change replaces threonine, which is neutral and polar, with serine, which is neutral and polar, at codon 323 of the MAP3K20 protein (p.Thr323Ser). This variant is present in population databases (rs759423037, gnomAD 0.006%). This variant has not been reported in the literature in individuals affected with MAP3K20-related conditions. Experimental studies and prediction algorithms are not available or were not evaluated, and the functional significance of this variant is currently unknown. In summary, the available evidence is currently insufficient to determine the role of this variant in disease. Therefore, it has been classified as a Variant of Uncertain Significance.

NM_016653.3(MAP3K20):c.967A>T (p.Thr323Ser)

Genes: MAP3K20 (mitogen-activated protein kinase kinase kinase 20; plus strand), MAP3K20-AS1 (MAP3K20 antisense RNA 1; minus strand). Cytogenetic location: 2q31.1.
Variant type: single nucleotide variant.
Coding change: c.967A>T on transcript NM_016653.3 (MANE Select); coding-DNA position 967, A replaced by T.
Protein change: p.Thr323Ser; replaces threonine 323 with serine.
Molecular consequence: missense variant.
Genome position (GRCh38, 1-based): chr2:173,217,230, A>T. VCF-style: chr2-173217230-A-T. GRCh37 (hg19) VCF-style: chr2-174081958-A-T.
Other names: c.967A>T, p.Thr323Ser (NM_133646.3); short protein forms T323S.
Identifiers: ClinVar variation 2420710 (VCV002420710.3), dbSNP rs759423037, ClinGen allele CA1970593.